The following is an entry in ClinVar:

ClinVar aggregate classification (germline): Conflicting classifications of pathogenicity. Review status: criteria provided, conflicting classifications (1 of 4 stars). 5 submissions from 5 submitters: Uncertain significance (3); Likely benign (2). Last evaluated 2026-01-12.

Conditions:
Cardiovascular phenotype. Identifiers: MedGen CN230736.
Catecholaminergic polymorphic ventricular tachycardia (CVPT). Also called: Catecholamine-induced polymorphic ventricular tachycardia. Identifiers: Orphanet 3286, MedGen C5574922, MONDO:0017990.
Catecholaminergic polymorphic ventricular tachycardia 1. Also called: VENTRICULAR TACHYCARDIA, CATECHOLAMINERGIC POLYMORPHIC, 1, WITH OR WITHOUT ATRIAL DYSFUNCTION AND/OR DILATED CARDIOMYOPATHY; RYR2-Related Catecholaminergic Polymorphic Ventricular Tachycardia; VENTRICULAR TACHYCARDIA, STRESS-INDUCED POLYMORPHIC 1. Identifiers: Orphanet 3286, MedGen C1631597, MONDO:0011484, OMIM 604772.
Ventricular arrhythmias due to cardiac ryanodine receptor calcium release deficiency syndrome. Also called: Autosomal dominant cardiac arrhythmia (Kuhn). Identifiers: MedGen C5542154, MONDO:0020745, OMIM 115000.
Cardiomyopathy (CMYO). Also called: Cardiomyopathies. Identifiers: Orphanet 167848, MedGen C0878544, MONDO:0004994, HP:0001638. Inheritance: Various modes of inheritance.

Allele frequency attached by ClinVar (database versions not stated): gnomAD exomes 0.00001; gnomAD 0.00001; TOPMed 0.00002.
gnomAD v4.1: 12 of 1,612,928 alleles (0.00074%); highest among the groups gnomAD compares: African/African-American, 0.0013%; no homozygotes.

Submissions (5):

Labcorp Genetics (formerly Invitae), Labcorp
Classification: Uncertain significance for Catecholaminergic polymorphic ventricular tachycardia 1. Last evaluated: 2026-01-12. Review status: criteria provided, single submitter. Criteria: Invitae Variant Classification Sherloc (09022015). Collection method: clinical testing. Allele origin: germline.
Comment: This sequence change replaces serine, which is neutral and polar, with alanine, which is neutral and non-polar, at codon 525 of the RYR2 protein (p.Ser525Ala). This variant is present in population databases (no rsID available, gnomAD 0.007%). This variant has not been reported in the literature in individuals affected with RYR2-related conditions. ClinVar contains an entry for this variant (Variation ID: 918654). Invitae Evidence Modeling of protein sequence and biophysical properties (such as structural, functional, and spatial information, amino acid conservation, physicochemical variation, residue mobility, and thermodynamic stability) indicates that this missense variant is not expected to disrupt RYR2 protein function with a negative predictive value of 95%. In summary, the available evidence is currently insufficient to determine the role of this variant in disease. Therefore, it has been classified as a Variant of Uncertain Significance.

Ambry Genetics
Classification: Uncertain significance for Cardiovascular phenotype. Last evaluated: 2025-02-07. Review status: criteria provided, single submitter. Criteria: Ambry Variant Classification Scheme 2023. Collection method: clinical testing. Allele origin: germline.
Comment: The p.S525A variant (also known as c.1573T>G), located in coding exon 16 of the RYR2 gene, results from a T to G substitution at nucleotide position 1573. The serine at codon 525 is replaced by alanine, an amino acid with similar properties. This amino acid position is not well conserved in available vertebrate species. In addition, this alteration is predicted to be tolerated by in silico analysis. Based on the available evidence, the clinical significance of this variant remains unclear.

Color Diagnostics, LLC DBA Color Health
Classification: Likely benign for Cardiomyopathy. Last evaluated: 2024-09-04. Review status: criteria provided, single submitter. Criteria: ACMG Guidelines, 2015. Collection method: clinical testing. Allele origin: germline.

All of Us Research Program, National Institutes of Health
Classification: Likely benign for Catecholaminergic polymorphic ventricular tachycardia. Last evaluated: 2023-07-10. Review status: criteria provided, single submitter. Criteria: ACMG Guidelines, 2015. Collection method: clinical testing. Allele origin: germline. Inheritance: Autosomal dominant inheritance. Observed: 2 variant alleles, 2 heterozygotes.
Comment: This study involves interpretation of variants in research participants for the purpose of population health screening. Participant phenotype was not available at the time of variant classification. Additional details can be found in publication PMID: 35346344, PMCID: PMC8962531

Clinical Genomics Laboratory, Stanford Medicine
Classification: Uncertain significance for Catecholaminergic polymorphic ventricular tachycardia 1; Ventricular arrhythmias due to cardiac ryanodine receptor calcium release deficiency syndrome. Last evaluated: 2022-09-02. Review status: criteria provided, single submitter. Criteria: ACMG Guidelines, 2015. Collection method: clinical testing. Allele origin: germline. Observed: 1 variant allele, 1 heterozygote.
Comment: The p.Ser525Ala variant in the RYR2 gene has not been previously reported in association with disease. This variant has been identified in 1/15384 European (non-Finnish) chromosomes by the Genome Aggregation Database. This variant is present in ClinVar (Variation ID: 918654). Computational tools predict that this variant is neither deleterious nor benign; however, the accuracy of in silico algorithms is limited. These data were assessed using the ACMG/AMP variant interpretation guidelines. In summary, the significance of the p.Ser525Ala variant is uncertain. Additional information is needed to resolve the significance of this variant. [ACMG evidence codes used: PM2]

NM_001035.3(RYR2):c.1573T>G (p.Ser525Ala)

Gene: RYR2 (ryanodine receptor 2; plus strand). Cytogenetic location: 1q43.
Variant type: single nucleotide variant.
Coding change: c.1573T>G on transcript NM_001035.3 (MANE Select); coding-DNA position 1573, T replaced by G.
Protein change: p.Ser525Ala; replaces serine 525 with alanine.
Molecular consequence: missense variant.
Genome position (GRCh38, 1-based): chr1:237,456,696, T>G. VCF-style: chr1-237456696-T-G. GRCh37 (hg19) VCF-style: chr1-237619996-T-G.
Other names: c.1573T>G (NM_001035.2); short protein forms S525A.
Identifiers: ClinVar variation 918654 (VCV000918654.15), dbSNP rs1207389001, ClinGen allele CA345381808.